The following is an entry in ClinVar:

NM_000059.4(BRCA2):c.9293A>G (p.Tyr3098Cys)

Gene: BRCA2 (BRCA2 DNA repair associated; plus strand). Cytogenetic location: 13q13.1.
Variant type: single nucleotide variant.
Coding change: c.9293A>G on transcript NM_000059.4 (MANE Select); coding-DNA position 9293, A replaced by G.
Protein change: p.Tyr3098Cys; replaces tyrosine 3098 with cysteine.
Molecular consequence: missense variant. On other transcripts: non-coding transcript variant (1).
Genome position (GRCh38, 1-based): chr13:32,394,725, A>G. VCF-style: chr13-32394725-A-G. GRCh37 (hg19) VCF-style: chr13-32968862-A-G.
Other names: c.9197A>G, p.Tyr3066Cys (NM_001406719.1); c.9242A>G, p.Tyr3081Cys (NM_001406720.1); c.4361A>G, p.Tyr1454Cys (NM_001406721.1); c.2876A>G, p.Tyr959Cys (NM_001406722.1); c.9293A>G, p.Tyr3098Cys (NM_001432077.1); short protein forms Y3081C, Y959C, Y3066C, Y3098C, Y1454C.
Identifiers: ClinVar variation 4215736 (VCV004215736.1).

ClinVar aggregate classification (germline): Uncertain significance (1 of 4 stars; one submission).

Conditions:
Hereditary cancer-predisposing syndrome. Also called: Hereditary Cancer Syndrome; Hereditary neoplastic syndrome; Neoplastic Syndromes, Hereditary; Tumor predisposition. Identifiers: Orphanet 140162, MedGen C0027672, MeSH D009386, MONDO:0015356.

Submission:

Ambry Genetics
Classification: Uncertain significance for Hereditary cancer-predisposing syndrome. Last evaluated: 2025-06-24. Review status: criteria provided, single submitter. Criteria: Ambry Variant Classification Scheme 2023. Collection method: clinical testing. Allele origin: germline.
Comment: The p.Y3098C variant (also known as c.9293A>G), located in coding exon 24 of the BRCA2 gene, results from an A to G substitution at nucleotide position 9293. The tyrosine at codon 3098 is replaced by cysteine, an amino acid with highly dissimilar properties. This amino acid position is conserved. In addition, the in silico prediction for this alteration is inconclusive. Based on the available evidence, the clinical significance of this variant remains unclear.